The following is an entry in ClinVar:

NM_000020.3(ACVRL1):c.785C>G (p.Ser262Ter)

Gene: ACVRL1 (activin A receptor like type 1; plus strand). Cytogenetic location: 12q13.13.
Variant type: single nucleotide variant.
Coding change: c.785C>G on transcript NM_000020.3 (MANE Select); coding-DNA position 785, C replaced by G.
Protein change: p.Ser262Ter; replaces serine 262 with a stop codon.
Molecular consequence: nonsense.
Genome position (GRCh38, 1-based): chr12:51,915,237, C>G. VCF-style: chr12-51915237-C-G. GRCh37 (hg19) VCF-style: chr12-52309021-C-G.
Other names: c.785C>G, p.Ser262Ter (NM_001077401.2, NM_001406487.1, NM_001406488.1 and 1 more transcripts); c.473C>G, p.Ser158Ter (NM_001406490.1, NM_001406491.1, NM_001406492.1 and 2 more transcripts); c.221C>G, p.Ser74Ter (NM_001406495.1); short protein forms S74*, S158*, S262*.
Identifiers: ClinVar variation 5032658 (VCV005032658.1).

ClinVar aggregate classification (germline): Pathogenic (1 of 4 stars; one submission).

Conditions:
Cardiovascular phenotype. Identifiers: MedGen CN230736.

Submission:

Ambry Genetics
Classification: Pathogenic for Cardiovascular phenotype. Last evaluated: 2026-08-06. Review status: criteria provided, single submitter. Criteria: Ambry Variant Classification Scheme 2023. Collection method: clinical testing. Allele origin: germline.
Comment: The p.S262* pathogenic mutation (also known as c.785C>G), located in coding exon 6 of the ACVRL1 gene, results from a C to G substitution at nucleotide position 785. This changes the amino acid from a serine to a stop codon within coding exon 6. This variant was reported in individual(s) with features consistent with hereditary hemorrhagic telangiectasia (Ambry internal data). This variant is considered to be rare based on population cohorts in the Genome Aggregation Database (gnomAD). This alteration is expected to result in loss of function by premature protein truncation or nonsense-mediated mRNA decay. As such, this alteration is interpreted as a disease-causing mutation.